The following is an entry in ClinVar:

NM_000268.4(NF2):c.1764A>C (p.Arg588=)

Gene: NF2 (NF2, moesin-ezrin-radixin like (MERLIN) tumor suppressor; plus strand). Cytogenetic location: 22q12.2.
Variant type: single nucleotide variant.
Coding change: c.1764A>C on transcript NM_000268.4 (MANE Select); coding-DNA position 1764, A replaced by C.
Protein change: p.Arg588=; no amino-acid change (arginine 588 retained).
Molecular consequence: synonymous variant. On other transcripts: 3 prime UTR variant (5), non-coding transcript variant (1).
Genome position (GRCh38, 1-based): chr22:29,694,778, A>C. VCF-style: chr22-29694778-A-C. GRCh37 (hg19) VCF-style: chr22-30090767-A-C.
Other names: c.*36A>C (NM_016418.5, NM_181828.3, NM_181829.3 and 1 more transcripts); c.*51A>C (NM_181832.3); c.474A>C, p.Arg158= (NM_181833.3).
Identifiers: ClinVar variation 706341 (VCV000706341.17), dbSNP rs1601688952, ClinGen allele CA514191734.

ClinVar aggregate classification (germline): Likely benign. Review status: criteria provided, multiple submitters, no conflicts (2 of 4 stars). 4 submissions from 4 submitters: Likely benign (4). Last evaluated 2026-01-31.

Conditions:
Hereditary cancer-predisposing syndrome. Also called: Tumor predisposition; Neoplastic Syndromes, Hereditary; Hereditary neoplastic syndrome; Hereditary Cancer Syndrome. Identifiers: Orphanet 140162, MedGen C0027672, MeSH D009386, MONDO:0015356.
Neurofibromatosis, type 2 (SWNV). Also called: SCHWANNOMATOSIS, VESTIBULAR; BILATERAL ACOUSTIC NEUROFIBROMATOSIS; NF2-Related Schwannomatosis. Identifiers: Orphanet 637, MedGen C0027832, MONDO:0007039, OMIM 101000. Disease mechanism: loss of function.

Allele frequency attached by ClinVar (database versions not stated): gnomAD 0.00001; gnomAD exomes 0.00003.
gnomAD v4.1: 16 of 1,613,638 alleles (0.00099%); highest among the groups gnomAD compares: East Asian, 0.036%; no homozygotes.

Submissions (4):

Labcorp Genetics (formerly Invitae), Labcorp
Classification: Likely benign for Neurofibromatosis, type 2. Last evaluated: 2026-01-31. Review status: criteria provided, single submitter. Criteria: Invitae Variant Classification Sherloc (09022015). Collection method: clinical testing. Allele origin: germline.

All of Us Research Program, National Institutes of Health
Classification: Likely benign for Neurofibromatosis, type 2. Last evaluated: 2024-02-22. Review status: criteria provided, single submitter. Criteria: ACMG Guidelines, 2015. Collection method: clinical testing. Allele origin: germline. Inheritance: Autosomal dominant inheritance. Observed: 1 variant allele, 1 heterozygote.
Comment: This study involves interpretation of variants in research participants for the purpose of population health screening. Participant phenotype was not available at the time of variant classification. Additional details can be found in publication PMID: 35346344, PMCID: PMC8962531

Blueprint Genetics
Classification: Likely benign. Last evaluated: 2023-02-09. Review status: criteria provided, single submitter. Criteria: ACMG Guidelines, 2015. Collection method: clinical testing. Allele origin: germline.

Ambry Genetics
Classification: Likely benign for Hereditary cancer-predisposing syndrome. Last evaluated: 2018-05-31. Review status: criteria provided, single submitter. Criteria: Ambry Variant Classification Scheme 2023. Collection method: clinical testing. Allele origin: germline.